The following is an entry in ClinVar:

ClinVar aggregate classification (germline): Uncertain significance (1 of 4 stars; one submission).

Conditions:
Loeys-Dietz syndrome 2 (LDS2). Also called: Marfan Syndrome type 2; Marfan like connective tissue disorder; MFS 2; TGFBR2-Related Loeys-Dietz Syndrome; Marfan syndrome, type 2 (formerly); AORTIC ANEURYSM, FAMILIAL THORACIC 3. Identifiers: Orphanet 284973, Orphanet 558, MedGen C2674574, MONDO:0012427, OMIM 610168.

Submission:

Labcorp Genetics (formerly Invitae), Labcorp
Classification: Uncertain significance for Loeys-Dietz syndrome 2. Last evaluated: 2025-10-13. Review status: criteria provided, single submitter. Criteria: Invitae Variant Classification Sherloc (09022015). Collection method: clinical testing. Allele origin: germline.
Comment: This sequence change replaces leucine, which is neutral and non-polar, with arginine, which is basic and polar, at codon 541 of the TMPO protein (p.Leu541Arg). This variant is not present in population databases (gnomAD no frequency). This variant has not been reported in the literature in individuals affected with TMPO-related conditions. Invitae Evidence Modeling of protein sequence and biophysical properties (such as structural, functional, and spatial information, amino acid conservation, physicochemical variation, residue mobility, and thermodynamic stability) indicates that this missense variant is not expected to disrupt TMPO protein function with a negative predictive value of 80%. In summary, the available evidence is currently insufficient to determine the role of this variant in disease. Therefore, it has been classified as a Variant of Uncertain Significance.

NM_001032283.3(TMPO):c.565+2041T>G

Gene: TMPO (thymopoietin; plus strand). Cytogenetic location: 12q23.1.
Variant type: single nucleotide variant.
Coding change: c.565+2041T>G on transcript NM_001032283.3 (MANE Select); 2041 bases into the intron after coding-DNA position 565, T replaced by G.
Molecular consequence: intron variant. On other transcripts: missense variant (1).
Genome position (GRCh38, 1-based): chr12:98,533,879, T>G. VCF-style: chr12-98533879-T-G. GRCh37 (hg19) VCF-style: chr12-98927657-T-G.
Other names: c.1622T>G, p.Leu541Arg (NM_003276.2); c.565+2041T>G (NM_001307975.2, NM_001032284.3); short protein forms L541R.
Identifiers: ClinVar variation 4809662 (VCV004809662.1).